The following is an entry in ClinVar:

NM_001100913.3(PACS2):c.649G>A (p.Val217Met)

Gene: PACS2 (phosphofurin acidic cluster sorting protein 2; plus strand). Cytogenetic location: 14q32.33.
Variant type: single nucleotide variant.
Coding change: c.649G>A on transcript NM_001100913.3 (MANE Select); coding-DNA position 649, G replaced by A.
Protein change: p.Val217Met; replaces valine 217 with methionine.
Molecular consequence: missense variant.
Genome position (GRCh38, 1-based): chr14:105,368,136, G>A. VCF-style: chr14-105368136-G-A. GRCh37 (hg19) VCF-style: chr14-105834473-G-A.
Other names: c.649G>A (NM_001100913.2); c.448G>A, p.Val150Met (NM_001243127.3); c.649G>A, p.Val217Met (NM_015197.4); short protein forms V150M, V217M.
Identifiers: ClinVar variation 1462586 (VCV001462586.16), dbSNP rs147003362, ClinGen allele CA7388463.

ClinVar aggregate classification (germline): Conflicting classifications of pathogenicity. Review status: criteria provided, conflicting classifications (1 of 4 stars). 3 submissions from 3 submitters: Uncertain significance (1); Likely benign (2). Last evaluated 2026-02-02.

Conditions:
Inborn genetic diseases. Identifiers: MedGen C0950123, MeSH D030342.

Allele frequency attached by ClinVar (database versions not stated): ExAC 0.00001; gnomAD exomes 0.00002; gnomAD 0.00004 and 0.00005.

Submissions (3):

Labcorp Genetics (formerly Invitae), Labcorp
Classification: Likely benign. Last evaluated: 2026-02-02. Review status: criteria provided, single submitter. Criteria: Invitae Variant Classification Sherloc (09022015). Collection method: clinical testing. Allele origin: germline.

CeGaT Center for Human Genetics Tuebingen
Classification: Likely benign. Last evaluated: 2026-01-01. Review status: criteria provided, single submitter. Criteria: CeGaT Center For Human Genetics Tuebingen Variant Classification Criteria Version 2. Collection method: clinical testing. Allele origin: germline. Affected: yes. Observed: 2 variant alleles.
Comment: PACS2: BS2

Ambry Genetics
Classification: Uncertain significance for Inborn genetic diseases. Last evaluated: 2025-06-17. Review status: criteria provided, single submitter. Criteria: Ambry Variant Classification Scheme 2023. Collection method: clinical testing. Allele origin: germline.